The following is an entry in ClinVar:

NM_014989.7(RIMS1):c.3941T>C (p.Leu1314Pro)

Gene: RIMS1 (regulating synaptic membrane exocytosis 1; plus strand). Cytogenetic location: 6q13.
Variant type: single nucleotide variant.
Coding change: c.3941T>C on transcript NM_014989.7 (MANE Select); coding-DNA position 3941, T replaced by C.
Protein change: p.Leu1314Pro; replaces leucine 1314 with proline.
Molecular consequence: missense variant. On other transcripts: intron variant (24).
Genome position (GRCh38, 1-based): chr6:72,307,348, T>C. VCF-style: chr6-72307348-T-C. GRCh37 (hg19) VCF-style: chr6-73017051-T-C.
Other names: c.3941T>C (NM_014989.4); c.1901T>C, p.Leu634Pro (NM_001168407.2); c.1862T>C, p.Leu621Pro (NM_001350414.2); c.1985T>C, p.Leu662Pro (NM_001350415.2); c.1934T>C, p.Leu645Pro (NM_001350416.2); c.1907T>C, p.Leu636Pro (NM_001350418.2); c.2015T>C, p.Leu672Pro (NM_001350420.2); c.1760T>C, p.Leu587Pro (NM_001350421.2); and 52 more; short protein forms L1314P, L554P, L581P, L587P, L588P, L634P, L636P, L637P.
Identifiers: ClinVar variation 357855 (VCV000357855.17), dbSNP rs201798320, ClinGen allele CA3886397.
Genomic context (GRCh38, chr6:72,307,348, plus strand): 5'-AGATGAAAATGAAAGTGCATCGATTTAAGCAGACAACAGGGTCTGGTTCTAGTCAAGAAC[T>C]TGATCGCGAGCAATATTCCAAGGTAAAATTAGTAGTATCCAACAAATAGTTTCCCTTTTA-3'
Protein context (NP_055804.2, residues 1304-1324): QTTGSGSSQE[Leu1314Pro]DREQYSKYNI

ClinVar aggregate classification (germline): Conflicting classifications of pathogenicity. Review status: criteria provided, conflicting classifications (1 of 4 stars). 4 submissions from 4 submitters: Uncertain significance (1); Benign (2); Likely benign (1). Last evaluated 2025-12-11.

Conditions:
Cone-rod dystrophy 7 (CORD7). Identifiers: Orphanet 1872, MedGen C1863634, MONDO:0011355, OMIM 603649.

Allele frequency attached by ClinVar (database versions not stated): gnomAD exomes 0.00005 and 0.00015; gnomAD 0.00018 and 0.00026; ESP Exome Variant Server 0.00025; TOPMed 0.00030; ExAC 0.00035; 1000 Genomes Project 30x 0.00172; 1000 Genomes Project 0.00200.
gnomAD v4.1: 137 of 1,600,186 alleles (0.0086%); highest among the groups gnomAD compares: East Asian, 0.056%; no homozygotes.

Submissions (4):

Labcorp Genetics (formerly Invitae), Labcorp
Classification: Benign. Last evaluated: 2025-12-11. Review status: criteria provided, single submitter. Criteria: Invitae Variant Classification Sherloc (09022015). Collection method: clinical testing. Allele origin: germline.

Ambry Genetics
Classification: Uncertain significance. Last evaluated: 2025-08-04. Review status: criteria provided, single submitter. Criteria: Ambry Variant Classification Scheme 2023. Collection method: clinical testing. Allele origin: germline.

Blueprint Genetics
Classification: Likely benign. Last evaluated: 2024-11-11. Review status: criteria provided, single submitter. Criteria: ACMG Guidelines, 2015. Collection method: clinical testing. Allele origin: germline.

Illumina Laboratory Services, Illumina
Classification: Benign for Cone-rod dystrophy 7. Last evaluated: 2018-01-12. Review status: criteria provided, single submitter. Criteria: ICSL Variant Classification Criteria 13 December 2019. Collection method: clinical testing. Allele origin: germline.
Comment: This variant was observed in the ICSL laboratory as part of a predisposition screen in an ostensibly healthy population. It had not been previously curated by ICSL or reported in the Human Gene Mutation Database (HGMD: prior to June 1st, 2018), and was therefore a candidate for classification through an automated scoring system. Utilizing variant allele frequency, disease prevalence and penetrance estimates, and inheritance mode, an automated score was calculated to assess if this variant is too frequent to cause the disease. Based on the score and internal cut-off values, a variant classified as benign is not then subjected to further curation. The score for this variant resulted in a classification of benign for this disease.